The following is an entry in ClinVar:

NM_007121.7(NR1H2):c.182-80T>C

Gene: NR1H2 (nuclear receptor subfamily 1 group H member 2; plus strand). Cytogenetic location: 19q13.33.
Variant type: single nucleotide variant.
Coding change: c.182-80T>C on transcript NM_007121.7 (MANE Select); 80 bases into the intron before coding-DNA position 182, T replaced by C.
Molecular consequence: intron variant.
Genome position (GRCh38, 1-based): chr19:50,378,069, T>C. VCF-style: chr19-50378069-T-C. GRCh37 (hg19) VCF-style: chr19-50881326-T-C.
Other names: c.181+199T>C (NM_001256647.3).
Identifiers: ClinVar variation 1277347 (VCV001277347.2), dbSNP rs28514894, ClinGen allele CA15958445.

ClinVar aggregate classification (germline): Benign. Review status: criteria provided, multiple submitters, no conflicts (2 of 4 stars). 2 submissions from 2 submitters: Benign (2). Last evaluated 2021-02-24.

Allele frequency attached by ClinVar (database versions not stated): 1000 Genomes Project 0.34784; 1000 Genomes Project 30x 0.35806; gnomAD 0.36324 and 0.36499; TOPMed 0.37049.
gnomAD v4.1: 498,053 of 1,482,382 alleles (34%); highest among the groups gnomAD compares: African/African-American, 44%; 85,765 homozygotes.

Submissions (2):

GeneDx
Classification: Benign. Last evaluated: 2021-02-24. Review status: criteria provided, single submitter. Criteria: GeneDx Variant Classification Process June 2021. Collection method: clinical testing. Allele origin: germline. Affected: yes.
Comment: This variant is associated with the following publications: (PMID: 20939869)

Breakthrough Genomics
Classification: Benign. Review status: criteria provided, single submitter. Criteria: ACMG Guidelines, 2015. Collection method: not provided. Allele origin: germline. Inheritance: Unknown mechanism. Affected: yes.